The following is an entry in ClinVar:

ClinVar aggregate classification (germline): Uncertain significance (1 of 4 stars; one submission).

gnomAD v4.1: 1 of 1,613,948 alleles (0.000062%); highest among the groups gnomAD compares: African/African-American, 0.0013%; no homozygotes.

Submission:

Labcorp Genetics (formerly Invitae), Labcorp
Classification: Uncertain significance. Last evaluated: 2022-10-05. Review status: criteria provided, single submitter. Criteria: Invitae Variant Classification Sherloc (09022015). Collection method: clinical testing. Allele origin: germline.
Comment: This sequence change replaces alanine, which is neutral and non-polar, with serine, which is neutral and polar, at codon 347 of the ABCA4 protein (p.Ala347Ser). In summary, the available evidence is currently insufficient to determine the role of this variant in disease. Therefore, it has been classified as a Variant of Uncertain Significance. Advanced modeling of protein sequence and biophysical properties (such as structural, functional, and spatial information, amino acid conservation, physicochemical variation, residue mobility, and thermodynamic stability) has been performed at Invitae for this missense variant, however the output from this modeling did not meet the statistical confidence thresholds required to predict the impact of this variant on ABCA4 protein function. This variant has not been reported in the literature in individuals affected with ABCA4-related conditions. This variant is not present in population databases (gnomAD no frequency).

NM_000350.3(ABCA4):c.1039G>T (p.Ala347Ser)

Gene: ABCA4 (ATP binding cassette subfamily A member 4; minus strand). Cytogenetic location: 1p22.1.
Variant type: single nucleotide variant.
Coding change: c.1039G>T on transcript NM_000350.3 (MANE Select); coding-DNA position 1039, G replaced by T.
Protein change: p.Ala347Ser; replaces alanine 347 with serine.
Molecular consequence: missense variant.
Genome position (GRCh38, 1-based): chr1:94,080,538, C>A on the plus strand (G>T on the coding strand, the complement: ABCA4 is on the minus strand). VCF-style: chr1-94080538-C-A. GRCh37 (hg19) VCF-style: chr1-94546094-C-A.
Other names: c.1039G>T, p.Ala347Ser (NM_001425324.1); short protein forms A347S.
Identifiers: ClinVar variation 2012542 (VCV002012542.4), dbSNP rs764915204, ClinGen allele CA341284003.